The following is an entry in ClinVar:

NM_001367624.2(ZNF469):c.1424G>A (p.Cys475Tyr)

Gene: ZNF469 (zinc finger protein 469; plus strand). Cytogenetic location: 16q24.2.
Variant type: single nucleotide variant.
Coding change: c.1424G>A on transcript NM_001367624.2 (MANE Select); coding-DNA position 1424, G replaced by A.
Protein change: p.Cys475Tyr; replaces cysteine 475 with tyrosine.
Molecular consequence: missense variant.
Genome position (GRCh38, 1-based): chr16:88,428,894, G>A. VCF-style: chr16-88428894-G-A. GRCh37 (hg19) VCF-style: chr16-88495302-G-A.
Other names: NM_001127464.1:c.1424G>A; short protein forms C475Y.
Identifiers: ClinVar variation 2449536 (VCV002449536.2), dbSNP rs2507574880, ClinGen allele CA397066731.

ClinVar aggregate classification (germline): Uncertain significance (1 of 4 stars; one submission).

Conditions:
Cardiovascular phenotype. Identifiers: MedGen CN230736.

Submission:

Ambry Genetics
Classification: Uncertain significance for Cardiovascular phenotype. Last evaluated: 2023-03-11. Review status: criteria provided, single submitter. Criteria: Ambry Variant Classification Scheme 2023. Collection method: clinical testing. Allele origin: germline.
Comment: The p.C475Y variant (also known as c.1424G>A), located in coding exon 1 of the ZNF469 gene, results from a G to A substitution at nucleotide position 1424. The cysteine at codon 475 is replaced by tyrosine, an amino acid with highly dissimilar properties. This amino acid position is conserved. In addition, this alteration is predicted to be tolerated by in silico analysis. Since supporting evidence is limited at this time, the clinical significance of this alteration remains unclear.